The following is an entry in ClinVar:

NM_018263.6(ASXL2):c.2383C>T (p.Pro795Ser)

Gene: ASXL2 (ASXL transcriptional regulator 2; minus strand). Cytogenetic location: 2p23.3.
Variant type: single nucleotide variant.
Coding change: c.2383C>T on transcript NM_018263.6 (MANE Select); coding-DNA position 2383, C replaced by T.
Protein change: p.Pro795Ser; replaces proline 795 with serine.
Molecular consequence: missense variant.
Genome position (GRCh38, 1-based): chr2:25,743,954, G>A on the plus strand (C>T on the coding strand, the complement: ASXL2 is on the minus strand). VCF-style: chr2-25743954-G-A. GRCh37 (hg19) VCF-style: chr2-25966823-G-A.
Other names: c.2209C>T, p.Pro737Ser (NM_001369346.1); c.1603C>T, p.Pro535Ser (NM_001369347.1); short protein forms P535S, P795S, P737S.
Identifiers: ClinVar variation 1990876 (VCV001990876.5), dbSNP rs2087893926, ClinGen allele CA346081139.

ClinVar aggregate classification (germline): Uncertain significance. Review status: criteria provided, multiple submitters, no conflicts (2 of 4 stars). 2 submissions from 2 submitters: Uncertain significance (2). Last evaluated 2025-09-14.

Allele frequency attached by ClinVar (database versions not stated): gnomAD exomes below 0.00001; TOPMed below 0.00001.
gnomAD v4.1: 6 of 1,613,990 alleles (0.00037%); highest among the groups gnomAD compares: Non-Finnish European, 0.00051%; no homozygotes.

Submissions (2):

Labcorp Genetics (formerly Invitae), Labcorp
Classification: Uncertain significance. Last evaluated: 2025-09-14. Review status: criteria provided, single submitter. Criteria: Invitae Variant Classification Sherloc (09022015). Collection method: clinical testing. Allele origin: germline.
Comment: This sequence change replaces proline, which is neutral and non-polar, with serine, which is neutral and polar, at codon 795 of the ASXL2 protein (p.Pro795Ser). This variant is not present in population databases (gnomAD no frequency). This variant has not been reported in the literature in individuals affected with ASXL2-related conditions. ClinVar contains an entry for this variant (Variation ID: 1990876). Invitae Evidence Modeling of protein sequence and biophysical properties (such as structural, functional, and spatial information, amino acid conservation, physicochemical variation, residue mobility, and thermodynamic stability) indicates that this missense variant is not expected to disrupt ASXL2 protein function with a negative predictive value of 80%. In summary, the available evidence is currently insufficient to determine the role of this variant in disease. Therefore, it has been classified as a Variant of Uncertain Significance.

Blueprint Genetics
Classification: Uncertain significance. Last evaluated: 2023-07-24. Review status: criteria provided, single submitter. Criteria: ACMG Guidelines, 2015. Collection method: clinical testing. Allele origin: germline.